The following is an entry in ClinVar:

ClinVar aggregate classification (germline): Uncertain significance (1 of 4 stars; one submission).

Conditions:
Nemaline myopathy 2 (NEM2). Also called: Nemaline myopathy 2, autosomal recessive. Identifiers: MedGen C1850569, MONDO:0009725, OMIM 256030.

Submission:

Labcorp Genetics (formerly Invitae), Labcorp
Classification: Uncertain significance for Nemaline myopathy 2. Last evaluated: 2022-06-04. Review status: criteria provided, single submitter. Criteria: Invitae Variant Classification Sherloc (09022015). Collection method: clinical testing. Allele origin: germline.
Comment: This sequence change replaces leucine, which is neutral and non-polar, with phenylalanine, which is neutral and non-polar, at codon 6640 of the NEB protein (p.Leu6640Phe). This variant is not present in population databases (gnomAD no frequency). This variant has not been reported in the literature in individuals affected with NEB-related conditions. ClinVar contains an entry for this variant (Variation ID: 954567). Algorithms developed to predict the effect of missense changes on protein structure and function are either unavailable or do not agree on the potential impact of this missense change (SIFT: "Deleterious"; PolyPhen-2: "Not Available"; Align-GVGD: "Class C0"). In summary, the available evidence is currently insufficient to determine the role of this variant in disease. Therefore, it has been classified as a Variant of Uncertain Significance.

NM_001164508.2(NEB):c.19918C>T (p.Leu6640Phe)

Gene: NEB (nebulin; minus strand). Cytogenetic location: 2q23.3.
Variant type: single nucleotide variant.
Coding change: c.19918C>T on transcript NM_001164508.2 (MANE Select); coding-DNA position 19918, C replaced by T.
Protein change: p.Leu6640Phe; replaces leucine 6640 with phenylalanine.
Molecular consequence: missense variant.
Genome position (GRCh38, 1-based): chr2:151,551,764, G>A on the plus strand (C>T on the coding strand, the complement: NEB is on the minus strand). VCF-style: chr2-151551764-G-A. GRCh37 (hg19) VCF-style: chr2-152408278-G-A.
Other names: c.19918C>T, p.Leu6640Phe (NM_001164507.2, NM_001271208.2); c.14815C>T, p.Leu4939Phe (NM_004543.5); short protein forms L4939F, L6640F.
Identifiers: ClinVar variation 954567 (VCV000954567.7), dbSNP rs2095356788, ClinGen allele CA348787189.